The following is an entry in ClinVar:

ClinVar aggregate classification (germline): Conflicting classifications of pathogenicity. Review status: criteria provided, conflicting classifications (1 of 4 stars). 3 submissions from 3 submitters: Uncertain significance (1); Benign (1). 1 of the submissions does not count toward it. Last evaluated 2025-10-21.

Conditions:
PIEZO1-related disorder. Also called: PIEZO1-related condition; PIEZO1-Related Disorders.
Inborn genetic diseases. Identifiers: MedGen C0950123, MeSH D030342.

Allele frequency attached by ClinVar (database versions not stated): gnomAD exomes 0.00016; 1000 Genomes Project 30x 0.00094; TOPMed 0.00008; gnomAD 0.00017; 1000 Genomes Project 0.00120; ExAC 0.00117.

Submissions (3):

Labcorp Genetics (formerly Invitae), Labcorp
Classification: Benign. Last evaluated: 2025-10-21. Review status: criteria provided, single submitter. Criteria: Invitae Variant Classification Sherloc (09022015). Collection method: clinical testing. Allele origin: germline.

Ambry Genetics
Classification: Uncertain significance for Inborn genetic diseases. Last evaluated: 2025-05-21. Review status: criteria provided, single submitter. Criteria: Ambry Variant Classification Scheme 2023. Collection method: clinical testing. Allele origin: germline.

PreventionGenetics, part of Exact Sciences
Classification: Likely benign for PIEZO1-related condition. Last evaluated: 2022-02-02. Review status: no assertion criteria provided. Collection method: clinical testing. Allele origin: germline. Not counted in ClinVar's aggregate classification.
Comment: This variant is classified as likely benign based on ACMG/AMP sequence variant interpretation guidelines (Richards et al. 2015 PMID: 25741868, with internal and published modifications).

NM_001142864.4(PIEZO1):c.469G>C (p.Asp157His)

Genes: HSALR1 (HSP90AB1 associated lncRNA 1; plus strand), PIEZO1 (piezo type mechanosensitive ion channel component 1 (Er blood group); minus strand). Cytogenetic location: 16q24.3.
Variant type: single nucleotide variant.
Coding change: c.469G>C on transcript NM_001142864.4 (MANE Select); coding-DNA position 469, G replaced by C.
Protein change: p.Asp157His; replaces aspartic acid 157 with histidine.
Molecular consequence: missense variant. On other transcripts: non-coding transcript variant (1).
Genome position (GRCh38, 1-based): chr16:88,738,733, C>G on the plus strand (G>C on the coding strand, the complement: PIEZO1 is on the minus strand). VCF-style: chr16-88738733-C-G. GRCh37 (hg19) VCF-style: chr16-88805141-C-G.
Other names: c.469G>C (NM_001142864.2, NM_001142864.3); short protein forms D157H.
Identifiers: ClinVar variation 2752003 (VCV002752003.6), dbSNP rs561856394, ClinGen allele CA8233257.
Genomic context (GRCh38, chr16:88,738,733, plus strand): 5'-CCAGCGTTGCTGCTTCCTGCAGCCCTGCCGTCGGGCTGGCATCCACATCCCTCTCATCAT[C>G]ATCCTGCCAAGGTCACGGACAGGGGCAAGGTCAGGTGTATCGCACTGACGCCACCTCTCC-3'
Protein context (NP_001136336.2, residues 147-167): RQSPHPRELD[Asp157His]DERDVDASPT